The following is an entry in ClinVar:

NM_022436.3(ABCG5):c.636G>A (p.Lys212=)

Genes: ABCG5 (ATP binding cassette subfamily G member 5; minus strand), DYNC2LI1 (dynein cytoplasmic 2 light intermediate chain 1; plus strand). Cytogenetic location: 2p21.
Variant type: single nucleotide variant.
Coding change: c.636G>A on transcript NM_022436.3 (MANE Select); coding-DNA position 636, G replaced by A.
Protein change: p.Lys212=; no amino-acid change (lysine 212 retained).
Molecular consequence: synonymous variant. On other transcripts: intron variant (2).
Genome position (GRCh38, 1-based): chr2:43,826,520, C>T on the plus strand (G>A on the coding strand, the complement: ABCG5 is on the minus strand). VCF-style: chr2-43826520-C-T. GRCh37 (hg19) VCF-style: chr2-44053659-C-T.
Other names: c.*16-866C>T (NM_001348913.2, NM_001348912.2).
Identifiers: ClinVar variation 4709776 (VCV004709776.1).

ClinVar aggregate classification (germline): Uncertain significance (1 of 4 stars; one submission).

Conditions:
Sitosterolemia (STSL). Also called: PHYTOSTEROLEMIA. Identifiers: Orphanet 2882, MedGen C0342907, MONDO:0008863.

gnomAD v4.1: 11 of 1,614,088 alleles (0.00068%); highest among the groups gnomAD compares: Admixed American, 0.0033%; no homozygotes.

Submission:

Labcorp Genetics (formerly Invitae), Labcorp
Classification: Uncertain significance for Sitosterolemia. Last evaluated: 2025-03-12. Review status: criteria provided, single submitter. Criteria: Invitae Variant Classification Sherloc (09022015). Collection method: clinical testing. Allele origin: germline.
Comment: This sequence change affects codon 212 of the ABCG5 mRNA. It is a 'silent' change, meaning that it does not change the encoded amino acid sequence of the ABCG5 protein. This variant is present in population databases (no rsID available, gnomAD 0.003%). This variant has not been reported in the literature in individuals affected with ABCG5-related conditions. Algorithms developed to predict the effect of sequence changes on RNA splicing suggest that this variant may create or strengthen a splice site. In summary, the available evidence is currently insufficient to determine the role of this variant in disease. Therefore, it has been classified as a Variant of Uncertain Significance.